The following is an entry in ClinVar:

NM_014639.4(SKIC3):c.375A>G (p.Leu125=)

Gene: SKIC3 (SKI3 subunit of superkiller complex; minus strand). Cytogenetic location: 5q15.
Variant type: single nucleotide variant.
Coding change: c.375A>G on transcript NM_014639.4 (MANE Select); coding-DNA position 375, A replaced by G.
Protein change: p.Leu125=; no amino-acid change (leucine 125 retained).
Molecular consequence: synonymous variant.
Genome position (GRCh38, 1-based): chr5:95,541,332, T>C on the plus strand (A>G on the coding strand, the complement: SKIC3 is on the minus strand). VCF-style: chr5-95541332-T-C. GRCh37 (hg19) VCF-style: chr5-94877036-T-C.
Other names: c.375A>G (NM_014639.3).
Identifiers: ClinVar variation 1093306 (VCV001093306.11), dbSNP rs374667105, ClinGen allele CA3347631.

ClinVar aggregate classification (germline): Likely benign. Review status: criteria provided, multiple submitters, no conflicts (2 of 4 stars). 3 submissions from 3 submitters: Likely benign (3). Last evaluated 2025-12-17.

Conditions:
SKIC3-related disorder. Also called: SKIC3-related condition.

Allele frequency attached by ClinVar (database versions not stated): gnomAD 0.00006; ExAC 0.00007; gnomAD exomes 0.00007 and 0.00008; ESP Exome Variant Server 0.00008; TOPMed 0.00003.
gnomAD v4.1: 107 of 1,613,732 alleles (0.0066%); highest among the groups gnomAD compares: East Asian, 0.011%; no homozygotes.

Submissions (3):

Labcorp Genetics (formerly Invitae), Labcorp
Classification: Likely benign. Last evaluated: 2025-12-17. Review status: criteria provided, single submitter. Criteria: Invitae Variant Classification Sherloc (09022015). Collection method: clinical testing. Allele origin: germline.

Blueprint Genetics
Classification: Likely benign. Last evaluated: 2024-11-17. Review status: criteria provided, single submitter. Criteria: ACMG Guidelines, 2015. Collection method: clinical testing. Allele origin: germline.

PreventionGenetics, part of Exact Sciences
Classification: Likely benign for SKIC3-related condition. Last evaluated: 2024-11-09. Review status: criteria provided, single submitter. Criteria: ACMG Guidelines, 2015. Collection method: clinical testing. Allele origin: germline.
Comment: This variant is classified as likely benign based on ACMG/AMP sequence variant interpretation guidelines (Richards et al. 2015 PMID: 25741868, with internal and published modifications).